The following is an entry in ClinVar:

NM_000088.4(COL1A1):c.2429del (p.Pro810fs)

Gene: COL1A1 (collagen type I alpha 1 chain; minus strand). Cytogenetic location: 17q21.33.
Variant type: Deletion.
Coding change: c.2429del on transcript NM_000088.4 (MANE Select); coding-DNA position 2429, one base deleted (C; older notation c.2429delC).
Protein change: p.Pro810fs; shifts the reading frame from proline 810.
Molecular consequence: frameshift variant.
Genome position (GRCh38, 1-based): chr17:50,190,349, G deleted on the plus strand (C on the coding strand, the reverse complement: COL1A1 is on the minus strand); the first of 3 consecutive G bases (chr17:50,190,349-50,190,351); deleting any one gives the same sequence. VCF-style (leftmost placement, unchanged base first): chr17-50190348-AG-A. GRCh37 (hg19) VCF-style: chr17-48267709-AG-A.
Other names: short protein forms P810fs.
Identifiers: ClinVar variation 2013780 (VCV002013780.4), dbSNP rs2509190728, ClinGen allele CA2580094255.
Genomic context (GRCh38, chr17:50,190,348, plus strand): 5'-CAGTCGGTGATGAAAAATGATGGGGGTCTTGGTACTCACAGGGGGGCCAGCAAAGCCAGC[AG>A]GGCCGGGGGGACCAGGCTCACCACGGTCTCCCTAGAAGAAAAGGAGTCAGATTGGAGAGA-3'

ClinVar aggregate classification (germline): Pathogenic (1 of 4 stars; one submission).

Conditions:
Osteogenesis imperfecta type I (OI1). Also called: Osteogenesis imperfecta type 1; Classic Non-deforming Osteogenesis Imperfecta with Blue Sclerae; Lobstein disease; OI, TYPE I; OSTEOGENESIS IMPERFECTA TARDA; OSTEOGENESIS IMPERFECTA WITH BLUE SCLERAE. Identifiers: Orphanet 216796, Orphanet 666, MedGen C0023931, MONDO:0008146, OMIM 166200. Disease mechanism: loss of function.

Submission:

Labcorp Genetics (formerly Invitae), Labcorp
Classification: Pathogenic for Osteogenesis imperfecta type I. Last evaluated: 2022-07-03. Review status: criteria provided, single submitter. Criteria: Invitae Variant Classification Sherloc (09022015). Collection method: clinical testing. Allele origin: germline.
Comment: For these reasons, this variant has been classified as Pathogenic. This variant has not been reported in the literature in individuals affected with COL1A1-related conditions. This variant is not present in population databases (gnomAD no frequency). This sequence change creates a premature translational stop signal (p.Pro810Leufs*298) in the COL1A1 gene. It is expected to result in an absent or disrupted protein product. Loss-of-function variants in COL1A1 are known to be pathogenic (PMID: 7942841, 9295084, 9443882).

Literature cited by the submitters: PubMed 7942841; PubMed 9295084; PubMed 9443882.